The following is an entry in ClinVar:

NM_003000.3(SDHB):c.18_21delinsACT (p.Ser8fs)

Gene: SDHB (succinate dehydrogenase complex iron sulfur subunit B; minus strand). Cytogenetic location: 1p36.13.
Variant type: Deletion.
Coding change: c.18_21delinsACT on transcript NM_003000.3 (MANE Select); coding-DNA positions 18 to 21, CCTC replaced by ACT.
Protein change: p.Ser8fs; shifts the reading frame from serine 8.
Molecular consequence: frameshift variant.
Genome position (GRCh38, 1-based): chr1:17,053,999-17,054,002, GAGG replaced by AGT on the plus strand (CCTC replaced by ACT on the coding strand, the reverse complement: SDHB is on the minus strand). VCF-style: chr1-17053999-GAGG-AGT. GRCh37 (hg19) VCF-style: chr1-17380494-GAGG-AGT.
Other names: c.18_21delCCTCinsACT, p.Ser8Profs (NM_001407361.1); short protein forms S8fs.
Identifiers: ClinVar variation 1780382 (VCV001780382.3), dbSNP rs2525083200, ClinGen allele CA2580060810.

ClinVar aggregate classification (germline): Pathogenic. Review status: criteria provided, multiple submitters, no conflicts (2 of 4 stars). 2 submissions from 2 submitters: Pathogenic (2). Last evaluated 2023-11-15.

Conditions:
Hereditary cancer-predisposing syndrome. Also called: Tumor predisposition; Hereditary Cancer Syndrome; Hereditary neoplastic syndrome; Neoplastic Syndromes, Hereditary. Identifiers: Orphanet 140162, MedGen C0027672, MeSH D009386, MONDO:0015356.
Pheochromocytoma/paraganglioma syndrome 4. Also called: Paragangliomas 4; CAROTID BODY TUMORS AND MULTIPLE EXTRAADRENAL PHEOCHROMOCYTOMAS; PARAGANGLIOMA, FAMILIAL MALIGNANT; PARAGANGLIOMAS, HEREDITARY EXTRAADRENAL; PHEOCHROMOCYTOMA, FAMILIAL EXTRAADRENAL; SDHB-Related Hereditary Paraganglioma-Pheochromocytoma Syndrome (Paragangliomas 4). Identifiers: Orphanet 29072, MedGen C1861848, MONDO:0007273, OMIM 115310.

Submissions (2):

Myriad Genetics, Inc.
Classification: Pathogenic for Pheochromocytoma/paraganglioma syndrome 4. Last evaluated: 2023-11-15. Review status: criteria provided, single submitter. Criteria: Myriad Autosomal Dominant, Autosomal Recessive and X-Linked Classification Criteria (2023). Collection method: clinical testing. Allele origin: unknown.
Comment: This variant is considered pathogenic. This variant creates a frameshift predicted to result in premature protein truncation.

Ambry Genetics
Classification: Pathogenic for Hereditary cancer-predisposing syndrome. Last evaluated: 2017-05-12. Review status: criteria provided, single submitter. Criteria: Ambry Variant Classification Scheme 2023. Collection method: clinical testing. Allele origin: germline.
Comment: The c.18_21delCCTCinsACT pathogenic mutation, located in coding exon 1 of the SDHB gene, results from the deletion of 4 nucleotides and insertion of 3 nucleotides causing a translational frameshift with a predicted alternate stop codon (p.S8Pfs*2). In addition to the clinical data presented in the literature, this alteration is expected to result in loss of function by premature protein truncation or nonsense-mediated mRNA decay. As such, this alteration is interpreted as a disease-causing mutation.

Literature cited by the submitters: PubMed 15328326 (cited by Ambry Genetics).